The following is an entry in ClinVar:

ClinVar aggregate classification (germline): Uncertain significance (0 of 4 stars; one submission).

Conditions:
Carcinoma of colon (CRC). Also called: Colonic carcinoma; Colon carcinoma. Identifiers: MedGen C0699790, MONDO:0002032.

Submission:

Immunobiology Lab; University of Kashmir
Classification: Uncertain significance for Carcinoma of colon. Last evaluated: 2015-01-24. Review status: no assertion criteria provided. Collection method: case-control. Allele origin: somatic. Affected: yes. Study: Mutational Hotspot profiling of Tyrosine Kinase domain of VEGF receptors in Human colorectal tumors.
Comment: The variation(s) were confirmed by double pass sequencing of PCR products amplified from genomic DNA of colonic lesions fron colorectal patients

NM_002253.4(KDR):c.2544G>T (p.Val848=)

Gene: KDR (kinase insert domain receptor; minus strand). Cytogenetic location: 4q12.
Variant type: single nucleotide variant.
Coding change: c.2544G>T on transcript NM_002253.4 (MANE Select); coding-DNA position 2544, G replaced by T.
Protein change: p.Val848=; no amino-acid change (valine 848 retained).
Molecular consequence: synonymous variant.
Genome position (GRCh38, 1-based): chr4:55,097,732, C>A on the plus strand (G>T on the coding strand, the complement: KDR is on the minus strand). VCF-style: chr4-55097732-C-A. GRCh37 (hg19) VCF-style: chr4-55963899-C-A.
Other names: KT253186.
Identifiers: ClinVar variation 204333 (VCV000204333.3), dbSNP rs795902899, ClinGen allele CA251261.